The following is an entry in ClinVar:

NM_000548.5(TSC2):c.4990-4G>A

Gene: TSC2 (TSC complex subunit 2; plus strand). Cytogenetic location: 16p13.3.
Variant type: single nucleotide variant.
Coding change: c.4990-4G>A on transcript NM_000548.5 (MANE Select); 4 bases into the intron before coding-DNA position 4990, G replaced by A.
Molecular consequence: intron variant.
Genome position (GRCh38, 1-based): chr16:2,087,859, G>A. VCF-style: chr16-2087859-G-A. GRCh37 (hg19) VCF-style: chr16-2137860-G-A.
Other names: c.4921-4G>A (NM_001114382.3); c.4861-4G>A (NM_021055.3, NM_001370405.1); c.4792-4G>A (NM_001363528.2); c.4858-4G>A (NM_001370404.1); c.4789-4G>A (NM_001077183.3); c.4681-4G>A (NM_001318827.2); c.4258-4G>A (NM_001318831.2); c.4645-4G>A (NM_001318829.2); and 1 more.
Identifiers: ClinVar variation 1496586 (VCV001496586.12), dbSNP rs1368879013, ClinGen allele CA620705057.

ClinVar aggregate classification (germline): Likely benign. Review status: criteria provided, multiple submitters, no conflicts (2 of 4 stars). 3 submissions from 3 submitters: Likely benign (3). Last evaluated 2025-06-05.

Conditions:
Hereditary cancer-predisposing syndrome. Also called: Tumor predisposition; Hereditary neoplastic syndrome; Neoplastic Syndromes, Hereditary; Hereditary Cancer Syndrome. Identifiers: Orphanet 140162, MedGen C0027672, MeSH D009386, MONDO:0015356.
Tuberous sclerosis 2 (TSC2). Identifiers: Orphanet 805, MedGen C1860707, MONDO:0013199, OMIM 613254.

Allele frequency attached by ClinVar (database versions not stated): gnomAD exomes below 0.00001; gnomAD 0.00001; TOPMed 0.00001.
gnomAD v4.1: 2 of 1,612,384 alleles (0.00012%); highest among the groups gnomAD compares: Admixed American, 0.0017%; no homozygotes.

Submissions (3):

Myriad Genetics, Inc.
Classification: Likely benign for Tuberous sclerosis 2. Last evaluated: 2025-06-05. Review status: criteria provided, single submitter. Criteria: Myriad Autosomal Dominant, Autosomal Recessive and X-Linked Classification Criteria (2023). Collection method: clinical testing. Allele origin: unknown.
Comment: This variant is considered likely benign. This variant is intronic and is not expected to impact mRNA splicing.

Ambry Genetics
Classification: Likely benign for Hereditary cancer-predisposing syndrome. Last evaluated: 2025-05-27. Review status: criteria provided, single submitter. Criteria: Ambry Variant Classification Scheme 2023. Collection method: clinical testing. Allele origin: germline.

Labcorp Genetics (formerly Invitae), Labcorp
Classification: Likely benign for Tuberous sclerosis 2. Last evaluated: 2025-03-11. Review status: criteria provided, single submitter. Criteria: Invitae Variant Classification Sherloc (09022015). Collection method: clinical testing. Allele origin: germline.